The following is an entry in ClinVar:

ClinVar aggregate classification (germline): Likely benign (1 of 4 stars; one submission).

Conditions:
Cataract 5 multiple types (CTRCT5). Also called: CATARACT, MARNER TYPE; CATARACT 5, LAMELLAR; Lamellar cataract. Identifiers: Orphanet 91492, MedGen C0266537, MONDO:0007290, OMIM 116800, HP:0007971.

Allele frequency attached by ClinVar (database versions not stated): ESP Exome Variant Server 0.00067; gnomAD exomes 0.00094 and 0.00198; TOPMed 0.00101; gnomAD 0.00107 and 0.00115; ExAC 0.00199.
gnomAD v4.1: 1,632 of 1,599,440 alleles (0.1%); highest among the groups gnomAD compares: Non-Finnish European, 0.021%; 12 homozygotes.

Submission:

CeGaT Center for Human Genetics Tuebingen
Classification: Likely benign. Last evaluated: 2023-05-01. Review status: criteria provided, single submitter. Criteria: CeGaT Center For Human Genetics Tuebingen Variant Classification Criteria Version 2. Collection method: clinical testing. Allele origin: germline. Affected: yes. Observed: 1 variant allele.
Comment: HSF4: BP4, BS1

NM_001374675.1(HSF4):c.925C>G (p.Leu309Val)

Gene: HSF4 (heat shock transcription factor 4; plus strand). Cytogenetic location: 16q22.1.
Variant type: single nucleotide variant.
Coding change: c.925C>G on transcript NM_001374675.1 (MANE Select); coding-DNA position 925, C replaced by G.
Protein change: p.Leu309Val; replaces leucine 309 with valine.
Molecular consequence: missense variant. On other transcripts: intron variant (2).
Genome position (GRCh38, 1-based): chr16:67,167,790, C>G. VCF-style: chr16-67167790-C-G. GRCh37 (hg19) VCF-style: chr16-67201693-C-G.
Other names: c.925C>G, p.Leu309Val (NM_001040667.3); c.869-34C>G (NM_001538.4, NM_001374674.1); short protein forms L309V.
Identifiers: ClinVar variation 585089 (VCV000585089.26), dbSNP rs201430635, ClinGen allele CA8102041.